The following is an entry in ClinVar:

NM_000368.5(TSC1):c.1914T>A (p.Asp638Glu)

Gene: TSC1 (TSC complex subunit 1; minus strand). Cytogenetic location: 9q34.13.
Variant type: single nucleotide variant.
Coding change: c.1914T>A on transcript NM_000368.5 (MANE Select); coding-DNA position 1914, T replaced by A.
Protein change: p.Asp638Glu; replaces aspartic acid 638 with glutamic acid.
Molecular consequence: missense variant.
Genome position (GRCh38, 1-based): chr9:132,905,664, A>T on the plus strand (T>A on the coding strand, the complement: TSC1 is on the minus strand). VCF-style: chr9-132905664-A-T. GRCh37 (hg19) VCF-style: chr9-135781051-A-T.
Other names: c.1911T>A, p.Asp637Glu (NM_001162426.2, NM_001406608.1, NM_001406609.1 and 6 more transcripts); c.1761T>A, p.Asp587Glu (NM_001162427.2, NM_001406610.1); c.1551T>A, p.Asp517Glu (NM_001362177.2, NM_001406614.1, NM_001406615.1 and 5 more transcripts); c.1914T>A, p.Asp638Glu (NM_001406592.1, NM_001406593.1, NM_001406594.1 and 7 more transcripts); c.1758T>A, p.Asp586Glu (NM_001406611.1, NM_001406612.1, NM_001406613.1); c.963T>A, p.Asp321Glu (NM_001406626.1); c.960T>A, p.Asp320Glu (NM_001406627.1, NM_001406628.1); c.861T>A, p.Asp287Glu (NM_001406629.1, NM_001406630.1); and 1 more; short protein forms D321E, D638E, D517E, D586E, D287E, D587E, D637E, D320E.
Identifiers: ClinVar variation 2126870 (VCV002126870.4), dbSNP rs2131813646, ClinGen allele CA375362711.

ClinVar aggregate classification (germline): Uncertain significance (1 of 4 stars; one submission).

Conditions:
Tuberous sclerosis 1 (TSC1). Identifiers: Orphanet 805, MedGen C1854465, MONDO:0008612, OMIM 191100.

Submission:

Labcorp Genetics (formerly Invitae), Labcorp
Classification: Uncertain significance for Tuberous sclerosis 1. Last evaluated: 2022-04-16. Review status: criteria provided, single submitter. Criteria: Invitae Variant Classification Sherloc (09022015). Collection method: clinical testing. Allele origin: germline.
Comment: Algorithms developed to predict the effect of missense changes on protein structure and function (SIFT, PolyPhen-2, Align-GVGD) all suggest that this variant is likely to be tolerated. In summary, the available evidence is currently insufficient to determine the role of this variant in disease. Therefore, it has been classified as a Variant of Uncertain Significance. This variant has not been reported in the literature in individuals affected with TSC1-related conditions. This sequence change replaces aspartic acid, which is acidic and polar, with glutamic acid, which is acidic and polar, at codon 638 of the TSC1 protein (p.Asp638Glu). This variant is not present in population databases (gnomAD no frequency).